The following is an entry in ClinVar:

NM_001267550.2(TTN):c.86076dup (p.Ser28693fs)

Genes: TTN-AS1 (TTN antisense RNA 1; plus strand), TTN (titin; minus strand). Cytogenetic location: 2q31.2.
Variant type: Duplication.
Coding change: c.86076dup on transcript NM_001267550.2 (MANE Select); coding-DNA position 86076, one base duplicated (A; older notation c.86076dupA).
Protein change: p.Ser28693fs; shifts the reading frame from serine 28693.
Molecular consequence: frameshift variant.
Genome position (GRCh38, 1-based): chr2:178,560,056, T duplicated on the plus strand (A on the coding strand, the reverse complement: TTN is on the minus strand); the first of 6 consecutive T bases (chr2:178,560,056-178,560,061); duplicating any one gives the same sequence. VCF-style (leftmost placement, unchanged base first): chr2-178560055-A-AT. GRCh37 (hg19) VCF-style: chr2-179424782-A-AT.
Other names: c.58881dupA (NM_003319.4); c.81153dup, p.Ser27052fs (NM_001256850.1); c.58881dup, p.Ser19628fs (NM_003319.4); c.78372dup, p.Ser26125fs (NM_133378.4); c.59256dup, p.Ser19753fs (NM_133432.3); c.59457dup, p.Ser19820fs (NM_133437.4); c.81153dupA (NM_001256850.1); short protein forms S26125fs, S28693fs, S19753fs, S27052fs, S19628fs, S19820fs.
Identifiers: ClinVar variation 519013 (VCV000519013.28), dbSNP rs1285329277, ClinGen allele CA538435303.

ClinVar aggregate classification (germline): Pathogenic/Likely pathogenic. Review status: criteria provided, multiple submitters, no conflicts (2 of 4 stars). 7 submissions from 7 submitters: Pathogenic (6); Likely pathogenic (1). Last evaluated 2025-10-01.

Conditions:
Dilated cardiomyopathy 1G (CMD1G). Identifiers: Orphanet 154, MedGen C1858763, MONDO:0011400, OMIM 604145.
Autosomal recessive limb-girdle muscular dystrophy type 2J (LGMDR10). Also called: MUSCULAR DYSTROPHY, LIMB-GIRDLE, AUTOSOMAL RECESSIVE 10; Limb-girdle muscular dystrophy, type 2J. Identifiers: Orphanet 140922, MedGen C1837342, MONDO:0012127, OMIM 608807.
Cardiovascular phenotype. Identifiers: MedGen CN230736.
TTN-related disorder. Also called: TTN-related condition; TTN-related disease; TTN-related disorders.
Cardiomyopathy (CMYO). Also called: Cardiomyopathies. Identifiers: Orphanet 167848, MedGen C0878544, MONDO:0004994, HP:0001638. Inheritance: Various modes of inheritance.

Submissions (7):

CeGaT Center for Human Genetics Tuebingen
Classification: Likely pathogenic. Last evaluated: 2025-10-01. Review status: criteria provided, single submitter. Criteria: CeGaT Center For Human Genetics Tuebingen Variant Classification Criteria Version 2. Collection method: clinical testing. Allele origin: germline. Affected: yes. Observed: 1 variant allele.
Comment: TTN: PVS1:Strong, PM2, PS4:Moderate

Labcorp Genetics (formerly Invitae), Labcorp
Classification: Pathogenic for Dilated cardiomyopathy 1G; Autosomal recessive limb-girdle muscular dystrophy type 2J. Last evaluated: 2025-08-06. Review status: criteria provided, single submitter. Criteria: Invitae Variant Classification Sherloc (09022015). Collection method: clinical testing. Allele origin: germline.
Comment: This sequence change creates a premature translational stop signal (p.Ser28693Ilefs*2) in the TTN gene. While this is not anticipated to result in nonsense mediated decay, it is expected to create a truncated TTN protein. This variant is present in population databases (no rsID available, gnomAD 0.002%). This premature translational stop signal has been observed in individual(s) with dilated cardiomyopathy (PMID: 22475360). It has also been observed to segregate with disease in related individuals. This variant is also known as c.58880insA (p.S19628IfsX1). ClinVar contains an entry for this variant (Variation ID: 519013). This variant is located in the A band of TTN (PMID: 25589632). Truncating variants in this region are significantly overrepresented in patients affected with dilated cardiomyopathy (PMID: 25589632). Truncating variants in this region have also been reported in individuals affected with autosomal recessive centronuclear myopathy (PMID: 23975875). For these reasons, this variant has been classified as Pathogenic.

Molecular Diagnostic Laboratory for Inherited Cardiovascular Disease, Montreal Heart Institute
Classification: Pathogenic for Cardiovascular phenotype. Last evaluated: 2025-04-01. Review status: criteria provided, single submitter. Criteria: ACMG Guidelines, 2015. Collection method: clinical testing. Allele origin: germline. Affected: yes.
Comment: PVS1, PP1_strong, PS3_mod, PS4_mod, PM2, PP5

Blueprint Genetics
Classification: Pathogenic for TTN-related disorders. Last evaluated: 2023-05-23. Review status: criteria provided, single submitter. Criteria: ACMG Guidelines, 2015. Collection method: clinical testing. Allele origin: germline. Affected: yes. Observed: 2 variant alleles.

Ambry Genetics
Classification: Pathogenic for Cardiovascular phenotype. Last evaluated: 2023-01-24. Review status: criteria provided, single submitter. Criteria: Ambry Variant Classification Scheme 2023. Collection method: clinical testing. Allele origin: germline.
Comment: The c.58881dupA pathogenic mutation, located in coding exon 153 of the TTN gene, results from a duplication of A at nucleotide position 58881, causing a translational frameshift with a predicted alternate stop codon (p.S19628Ifs*2). This exon is located in the A-band region of the N2-B isoform of the titin protein and is constitutively expressed in TTN transcripts (percent spliced in or PSI 100%). This alteration (also referred to as p.S19628Ifs*1 and p.Ser28693Ilefs*2) segregated with dilated cardiomyopathy in one large family and in two affected brothers from an unrelated family (Yoskovitz G et al. Am. J. Cardiol. 2012 Jun;11:1644-50; Franaszczyk M et al. PLoS One 2017 Jan;1:e0169007). This alteration is expected to result in loss of function by premature protein truncation or nonsense-mediated mRNA decay. While truncating variants in TTN are present in 1-3% of the general population, truncating variants in the A-band are the most common cause of dilated cardiomyopathy (DCM) (Herman DS et al. N. Engl. J. Med., 2012 Feb;366:619-28; Roberts AM et al. Sci Transl Med, 2015 Jan;7:270ra6). TTN truncating variants encoded in constitutive exons (PSI >90%) have been found to be significantly associated with DCM regardless of their position in titin (Schafer S et al. Nat. Genet., 2017 01;49:46-53). Based on the supporting evidence, this alteration is interpreted as a disease-causing mutation.

GeneDx
Classification: Pathogenic. Last evaluated: 2021-10-21. Review status: criteria provided, single submitter. Criteria: GeneDx Variant Classification Process June 2021. Collection method: clinical testing. Allele origin: germline. Affected: yes.
Comment: Reported in association with DCM in two families in the published literature; one family also harbored a second variant in the MYH6 gene (Yoskovitz et al., 2012; Franaszczyk et al., 2017); Not observed at a significant frequency in large population cohorts (Lek et al., 2016); Frameshift variant predicted to result in protein truncation or nonsense mediated decay in a gene for which loss-of-function is a known mechanism of disease; Located in the A-band region of titin, where the majority of truncating pathogenic variants associated with DCM have been reported (Herman et al., 2012).; This variant is associated with the following publications: (PMID: 22475360, 28045975, 30332462)

CHEO Genetics Diagnostic Laboratory, Children's Hospital of Eastern Ontario
Classification: Pathogenic for Cardiomyopathy. Last evaluated: 2018-03-16. Review status: criteria provided, single submitter. Criteria: ACMG Guidelines, 2015. Collection method: clinical testing. Allele origin: germline.

Literature cited by the submitters: PubMed 22475360 (cited by Labcorp Genetics (formerly Invitae), Labcorp and Ambry Genetics); PubMed 25589632 (cited by Labcorp Genetics (formerly Invitae), Labcorp); PubMed 23975875 (cited by Labcorp Genetics (formerly Invitae), Labcorp); PubMed 28045975 (cited by Ambry Genetics).